The following is an entry in ClinVar:

NC_000002.12:g.44304143del

Gene: SLC3A1 (solute carrier family 3 member 1; plus strand). Cytogenetic location: 2p21.
Variant type: Deletion.
Genome position: GRCh38 VCF-style: chr2-44304141-AG-A. GRCh37 (hg19) VCF-style: chr2-44531280-AG-A.
Identifiers: ClinVar variation 2041060 (VCV002041060.5), dbSNP rs2465948985, ClinGen allele CA2580066954.

ClinVar aggregate classification (germline): Pathogenic (1 of 4 stars; one submission).

Conditions:
Cystinuria (CSNU). Also called: CYSTINURIA, TYPE I; CYSTINURIA, TYPE II; CYSTINURIA, TYPE III; Cystinuria, non-type I. Identifiers: Orphanet 214, MedGen C0010691, MONDO:0009067, OMIM 220100, HP:0003131.

Submission:

Labcorp Genetics (formerly Invitae), Labcorp
Classification: Pathogenic for Cystinuria. Last evaluated: 2021-12-12. Review status: criteria provided, single submitter. Criteria: Invitae Variant Classification Sherloc (09022015). Collection method: clinical testing. Allele origin: germline.
Comment: For these reasons, this variant has been classified as Pathogenic. Algorithms developed to predict the effect of sequence changes on RNA splicing suggest that this variant may disrupt the consensus splice site. This variant has not been reported in the literature in individuals affected with SLC3A1-related conditions. This variant is not present in population databases (gnomAD no frequency). This sequence change creates a premature translational stop signal (p.Arg379Serfs*16) in the SLC3A1 gene. It is expected to result in an absent or disrupted protein product. Loss-of-function variants in SLC3A1 are known to be pathogenic (PMID: 24610330, 25109415, 25964309).

Literature cited by the submitters: PubMed 24610330; PubMed 25109415; PubMed 25964309.